The following is an entry in ClinVar:

NM_017849.4(TMEM127):c.19G>A (p.Ala7Thr)

Genes: TMEM127 (transmembrane protein 127; minus strand), LOC129934333 (ATAC-STARR-seq lymphoblastoid silent region 11759; plus strand). Cytogenetic location: 2q11.2.
Variant type: single nucleotide variant.
Coding change: c.19G>A on transcript NM_017849.4 (MANE Select); coding-DNA position 19, G replaced by A.
Protein change: p.Ala7Thr; replaces alanine 7 with threonine.
Molecular consequence: missense variant.
Genome position (GRCh38, 1-based): chr2:96,265,363, C>T on the plus strand (G>A on the coding strand, the complement: TMEM127 is on the minus strand). VCF-style: chr2-96265363-C-T. GRCh37 (hg19) VCF-style: chr2-96931101-C-T.
Other names: c.19G>A, p.Ala7Thr (NM_001193304.3); short protein forms A7T.
Identifiers: ClinVar variation 532525 (VCV000532525.12), dbSNP rs1390402715, ClinGen allele CA347656317.

ClinVar aggregate classification (germline): Uncertain significance. Review status: criteria provided, multiple submitters, no conflicts (2 of 4 stars). 2 submissions from 2 submitters: Uncertain significance (2). Last evaluated 2025-10-22.

Conditions:
Hereditary cancer-predisposing syndrome. Also called: Neoplastic Syndromes, Hereditary; Hereditary Cancer Syndrome; Tumor predisposition; Hereditary neoplastic syndrome. Identifiers: Orphanet 140162, MedGen C0027672, MeSH D009386, MONDO:0015356.
Hereditary pheochromocytoma and paraganglioma. Also called: Hereditary Paraganglioma-Pheochromocytoma Syndromes; Hereditary paragangliomas and pheochromocytomas; Hereditary pheochromocytoma-paraganglioma. Identifiers: Orphanet 29072, MedGen C4274332, MONDO:0017366.

Allele frequency attached by ClinVar (database versions not stated): gnomAD exomes 0.00002.

Submissions (2):

Labcorp Genetics (formerly Invitae), Labcorp
Classification: Uncertain significance for Hereditary pheochromocytoma and paraganglioma. Last evaluated: 2025-10-22. Review status: criteria provided, single submitter. Criteria: Invitae Variant Classification Sherloc (09022015). Collection method: clinical testing. Allele origin: germline.
Comment: This sequence change replaces alanine, which is neutral and non-polar, with threonine, which is neutral and polar, at codon 7 of the TMEM127 protein (p.Ala7Thr). The frequency data for this variant in the population databases is considered unreliable, as metrics indicate poor data quality at this position in the gnomAD database. This variant has not been reported in the literature in individuals affected with TMEM127-related conditions. ClinVar contains an entry for this variant (Variation ID: 532525). An algorithm developed to predict the effect of missense changes on protein structure and function outputs the following: PolyPhen-2: "Not Available". The threonine amino acid residue is found in multiple mammalian species, which suggests that this missense change does not adversely affect protein function. In summary, the available evidence is currently insufficient to determine the role of this variant in disease. Therefore, it has been classified as a Variant of Uncertain Significance.

Ambry Genetics
Classification: Uncertain significance for Hereditary cancer-predisposing syndrome. Last evaluated: 2025-05-19. Review status: criteria provided, single submitter. Criteria: Ambry Variant Classification Scheme 2023. Collection method: clinical testing. Allele origin: germline.
Comment: The p.A7T variant (also known as c.19G>A), located in coding exon 1 of the TMEM127 gene, results from a G to A substitution at nucleotide position 19. The alanine at codon 7 is replaced by threonine, an amino acid with similar properties. This amino acid position is conserved. In addition, this alteration is predicted to be tolerated by in silico analysis. Since supporting evidence is limited at this time, the clinical significance of this alteration remains unclear.